The following is an entry in ClinVar:

NM_001378183.1(PIEZO2):c.3322C>T (p.Arg1108Ter)

Gene: PIEZO2 (piezo type mechanosensitive ion channel component 2; minus strand). Cytogenetic location: 18p11.22.
Variant type: single nucleotide variant.
Coding change: c.3322C>T on transcript NM_001378183.1 (MANE Select); coding-DNA position 3322, C replaced by T.
Protein change: p.Arg1108Ter; replaces arginine 1108 with a stop codon.
Molecular consequence: nonsense.
Genome position (GRCh38, 1-based): chr18:10,761,039, G>A on the plus strand (C>T on the coding strand, the complement: PIEZO2 is on the minus strand). VCF-style: chr18-10761039-G-A. GRCh37 (hg19) VCF-style: chr18-10761037-G-A.
Other names: c.3322C>T, p.Arg1108Ter (NM_001410871.1); c.3247C>T, p.Arg1083Ter (NM_022068.4); short protein forms R1083*, R1108*.
Identifiers: ClinVar variation 4533391 (VCV004533391.1).

ClinVar aggregate classification (germline): Likely pathogenic (1 of 4 stars; one submission).

Conditions:
Arthrogryposis, distal, with impaired proprioception and touch (DAIPT). Identifiers: MedGen C4310692, MONDO:0014941, OMIM 617146.

gnomAD v4.1: 47 of 1,536,984 alleles (0.0031%); highest among the groups gnomAD compares: Non-Finnish European, 0.0037%; no homozygotes.

Submission:

Intergen Genetics and Rare Diseases Diagnosis Center
Classification: Likely pathogenic for Arthrogryposis, distal, with impaired proprioception and touch. Last evaluated: 2025-12-01. Review status: criteria provided, single submitter. Criteria: ACMG Guidelines, 2015. Collection method: clinical testing. Allele origin: inherited. Inheritance: Autosomal recessive inheritance. Affected: yes. Observed: 1 homozygote.
Comment: This sequence change (c.3322C>T, p.Arg1108Ter) introduces a premature stop codon in the PIEZO2 gene, predicted to result in either nonsense-mediated mRNA decay or production of a truncated protein lacking critical functional domains. The variant is absent or extremely rare in population databases for autosomal recessive inheritance, consistent with expectations for a disease-causing allele. Loss-of-function is a known mechanism of disease for PIEZO2-related conditions. Although no functional studies have yet been reported for this specific variant, the nature of the change combined with rarity in the population provides strong evidence for pathogenicity. Considering the predicted loss-of-function and the gene’s established disease mechanism, this variant is classified as Likely Pathogenic according to ACMG/AMP guidelines.